The following is an entry in ClinVar:

NM_000057.4(BLM):c.436G>T (p.Asp146Tyr)

Gene: BLM (BLM RecQ like helicase; plus strand). Cytogenetic location: 15q26.1.
Variant type: single nucleotide variant.
Coding change: c.436G>T on transcript NM_000057.4 (MANE Select); coding-DNA position 436, G replaced by T.
Protein change: p.Asp146Tyr; replaces aspartic acid 146 with tyrosine.
Molecular consequence: missense variant. On other transcripts: 5 prime UTR variant (1).
Genome position (GRCh38, 1-based): chr15:90,749,704, G>T. VCF-style: chr15-90749704-G-T. GRCh37 (hg19) VCF-style: chr15-91292934-G-T.
Other names: c.436G>T, p.Asp146Tyr (NM_001287246.2, NM_001287247.2); c.-856G>T (NM_001287248.2); short protein forms D146Y.
Identifiers: ClinVar variation 1740079 (VCV001740079.3), dbSNP rs1895616204, ClinGen allele CA393840545.

ClinVar aggregate classification (germline): Uncertain significance (1 of 4 stars; one submission).

Conditions:
Hereditary cancer-predisposing syndrome. Also called: Hereditary Cancer Syndrome; Hereditary neoplastic syndrome; Neoplastic Syndromes, Hereditary; Tumor predisposition. Identifiers: Orphanet 140162, MedGen C0027672, MeSH D009386, MONDO:0015356.

Submission:

Ambry Genetics
Classification: Uncertain significance for Hereditary cancer-predisposing syndrome. Last evaluated: 2025-05-15. Review status: criteria provided, single submitter. Criteria: Ambry Variant Classification Scheme 2023. Collection method: clinical testing. Allele origin: germline.
Comment: The p.D146Y variant (also known as c.436G>T), located in coding exon 2 of the BLM gene, results from a G to T substitution at nucleotide position 436. The aspartic acid at codon 146 is replaced by tyrosine, an amino acid with highly dissimilar properties. This amino acid position is conserved. In addition, the in silico prediction for this alteration is inconclusive. Since supporting evidence is limited at this time, the clinical significance of this alteration remains unclear.